The following is an entry in ClinVar:

ClinVar aggregate classification (germline): Uncertain significance (1 of 4 stars; one submission).

Conditions:
KBG syndrome (KBGS). Also called: ANKRD11-Related KBG Syndrome. Identifiers: Orphanet 2332, MedGen C0220687, MONDO:0007846, OMIM 148050.

Submission:

Labcorp Genetics (formerly Invitae), Labcorp
Classification: Uncertain significance for KBG syndrome. Last evaluated: 2022-12-13. Review status: criteria provided, single submitter. Criteria: Invitae Variant Classification Sherloc (09022015). Collection method: clinical testing. Allele origin: germline.
Comment: This variant is not present in population databases (gnomAD no frequency). In summary, the available evidence is currently insufficient to determine the role of this variant in disease. Therefore, it has been classified as a Variant of Uncertain Significance. Advanced modeling of protein sequence and biophysical properties (such as structural, functional, and spatial information, amino acid conservation, physicochemical variation, residue mobility, and thermodynamic stability) performed at Invitae indicates that this missense variant is not expected to disrupt ANKRD11 protein function. This variant has not been reported in the literature in individuals affected with ANKRD11-related conditions. This sequence change replaces glutamic acid, which is acidic and polar, with aspartic acid, which is acidic and polar, at codon 14 of the ANKRD11 protein (p.Glu14Asp).

NM_013275.6(ANKRD11):c.42G>T (p.Glu14Asp)

Gene: ANKRD11 (ankyrin repeat domain 11; minus strand). Cytogenetic location: 16q24.3.
Variant type: single nucleotide variant.
Coding change: c.42G>T on transcript NM_013275.6 (MANE Select); coding-DNA position 42, G replaced by T.
Protein change: p.Glu14Asp; replaces glutamic acid 14 with aspartic acid.
Molecular consequence: missense variant. On other transcripts: non-coding transcript variant (1).
Genome position (GRCh38, 1-based): chr16:89,316,978, C>A on the plus strand (G>T on the coding strand, the complement: ANKRD11 is on the minus strand). VCF-style: chr16-89316978-C-A. GRCh37 (hg19) VCF-style: chr16-89383386-C-A.
Other names: c.42G>T, p.Glu14Asp (NM_001256182.2, NM_001256183.2); short protein forms E14D.
Identifiers: ClinVar variation 2820617 (VCV002820617.3), dbSNP rs2544550707, ClinGen allele CA397166755.